The following is an entry in ClinVar:

ClinVar aggregate classification (germline): Uncertain significance (1 of 4 stars; one submission).

Conditions:
Muscular dystrophy-dystroglycanopathy (congenital with brain and eye anomalies), type A2. Also called: MUSCULAR DYSTROPHY-DYSTROGLYCANOPATHY (CONGENITAL WITH BRAIN AND EYE ANOMALIES), TYPE A, 2; WALKER-WARBURG SYNDROME OR MUSCLE-EYE-BRAIN DISEASE, POMT2-RELATED. Identifiers: Orphanet 588, Orphanet 899, MedGen C3150411, MONDO:0013154, OMIM 613150.
Autosomal recessive limb-girdle muscular dystrophy type 2N. Also called: MUSCULAR DYSTROPHY-DYSTROGLYCANOPATHY, LIMB-GIRDLE, POMT2-RELATED; Muscular dystrophy-dystroglycanopathy (limb-girdle), type C, 2. Identifiers: Orphanet 206559, MedGen C3150418, MONDO:0013162, OMIM 613158.
Muscular dystrophy-dystroglycanopathy (congenital with impaired intellectual development), type B, 2. Also called: MUSCULAR DYSTROPHY, CONGENITAL, POMT2-RELATED; Muscular dystrophy-dystroglycanopathy (congenital with intellectual disability), type B2. Identifiers: MedGen C3150416, MONDO:0013160, OMIM 613156.

Submission:

Labcorp Genetics (formerly Invitae), Labcorp
Classification: Uncertain significance for Muscular dystrophy-dystroglycanopathy (congenital with impaired intellectual development), type B, 2; Muscular dystrophy-dystroglycanopathy (congenital with brain and eye anomalies), type A2; Autosomal recessive limb-girdle muscular dystrophy type 2N. Last evaluated: 2021-07-28. Review status: criteria provided, single submitter. Criteria: Invitae Variant Classification Sherloc (09022015). Collection method: clinical testing. Allele origin: germline.
Comment: This variant has not been reported in the literature in individuals affected with POMT2-related conditions. In summary, the available evidence is currently insufficient to determine the role of this variant in disease. Therefore, it has been classified as a Variant of Uncertain Significance. Algorithms developed to predict the effect of missense changes on protein structure and function are either unavailable or do not agree on the potential impact of this missense change (SIFT: "Tolerated"; PolyPhen-2: "Possibly Damaging"; Align-GVGD: "Class C0"). This variant is not present in population databases (ExAC no frequency). This sequence change replaces lysine with threonine at codon 525 of the POMT2 protein (p.Lys525Thr). The lysine residue is highly conserved and there is a moderate physicochemical difference between lysine and threonine.

NM_013382.7(POMT2):c.1574A>C (p.Lys525Thr)

Gene: POMT2 (protein O-mannosyltransferase 2; minus strand). Cytogenetic location: 14q24.3.
Variant type: single nucleotide variant.
Coding change: c.1574A>C on transcript NM_013382.7 (MANE Select); coding-DNA position 1574, A replaced by C.
Protein change: p.Lys525Thr; replaces lysine 525 with threonine.
Molecular consequence: missense variant.
Genome position (GRCh38, 1-based): chr14:77,284,952, T>G on the plus strand (A>C on the coding strand, the complement: POMT2 is on the minus strand). VCF-style: chr14-77284952-T-G. GRCh37 (hg19) VCF-style: chr14-77751295-T-G.
Other names: short protein forms K525T.
Identifiers: ClinVar variation 1370613 (VCV001370613.6), dbSNP rs767137783, ClinGen allele CA390516694.
Genomic context (GRCh38, chr14:77,284,952, plus strand): 5'-TAAGGGTTTCTTATAAATGCTTCCCTCCAGAGCCAGCCCAGAAAGTGACCTCACTCACAC[T>G]TGGGATTGATATGGTCCTCCACATTCCAGATGGAGTTGAGGGTTTCTTTCAGGTATGGGG-3'
Protein context (NP_037514.2, residues 515-535): IWNVEDHINP[Lys525Thr]LPNISLDVLQ